The following is an entry in ClinVar:

NM_002427.4(MMP13):c.118G>A (p.Glu40Lys)

Genes: MMP13 (matrix metallopeptidase 13; minus strand), LOC126861318 (BRD4-independent group 4 enhancer GRCh37_chr11:102825894-102827093; plus strand). Cytogenetic location: 11q22.2.
Variant type: single nucleotide variant.
Coding change: c.118G>A on transcript NM_002427.4 (MANE Select); coding-DNA position 118, G replaced by A.
Protein change: p.Glu40Lys; replaces glutamic acid 40 with lysine.
Molecular consequence: missense variant.
Genome position (GRCh38, 1-based): chr11:102,955,588, C>T on the plus strand (G>A on the coding strand, the complement: MMP13 is on the minus strand). VCF-style: chr11-102955588-C-T. GRCh37 (hg19) VCF-style: chr11-102826317-C-T.
Other names: short protein forms E40K.
Identifiers: ClinVar variation 1925518 (VCV001925518.5), dbSNP rs369436172, ClinGen allele CA6252071.
Genomic context (GRCh38, chr11:102,955,588, plus strand): 5'-GAGAAGGACATTTCTGAGATGTACCAACCGCATCATCAGGATTGGCAAGATACTCTACCT[C>T]TGCAAACTGGAGGTCTTCCTCAGACAAATCATCTTCATCACCACCACTGGGAAGGGGCAG-3'
Protein context (NP_002418.1, residues 30-50): DLSEEDLQFA[Glu40Lys]RYLRSYYHPT

ClinVar aggregate classification (germline): Uncertain significance (1 of 4 stars; one submission).

Allele frequency attached by ClinVar (database versions not stated): TOPMed 0.00001; ExAC 0.00002; gnomAD exomes 0.00002; gnomAD 0.00003; ESP Exome Variant Server 0.00008.
gnomAD v4.1: 35 of 1,613,900 alleles (0.0022%); highest among the groups gnomAD compares: Non-Finnish European, 0.0014%; no homozygotes.

Submission:

Labcorp Genetics (formerly Invitae), Labcorp
Classification: Uncertain significance. Last evaluated: 2025-10-23. Review status: criteria provided, single submitter. Criteria: Invitae Variant Classification Sherloc (09022015). Collection method: clinical testing. Allele origin: germline.
Comment: This sequence change replaces glutamic acid, which is acidic and polar, with lysine, which is basic and polar, at codon 40 of the MMP13 protein (p.Glu40Lys). The frequency data for this variant in the population databases is considered unreliable, as metrics indicate poor data quality at this position in the gnomAD database. This variant has not been reported in the literature in individuals affected with MMP13-related conditions. ClinVar contains an entry for this variant (Variation ID: 1925518). An algorithm developed to predict the effect of missense changes on protein structure and function (PolyPhen-2) suggests that this variant is likely to be disruptive. In summary, the available evidence is currently insufficient to determine the role of this variant in disease. Therefore, it has been classified as a Variant of Uncertain Significance.